The following is an entry in ClinVar:

ClinVar aggregate classification (germline): Uncertain significance. Review status: criteria provided, multiple submitters, no conflicts (2 of 4 stars). 2 submissions from 2 submitters: Uncertain significance (2). Last evaluated 2025-08-26.

Conditions:
Catecholaminergic polymorphic ventricular tachycardia 1. Also called: VENTRICULAR TACHYCARDIA, CATECHOLAMINERGIC POLYMORPHIC, 1, WITH OR WITHOUT ATRIAL DYSFUNCTION AND/OR DILATED CARDIOMYOPATHY; RYR2-Related Catecholaminergic Polymorphic Ventricular Tachycardia; VENTRICULAR TACHYCARDIA, STRESS-INDUCED POLYMORPHIC 1. Identifiers: Orphanet 3286, MedGen C1631597, MONDO:0011484, OMIM 604772.
Cardiomyopathy (CMYO). Also called: Cardiomyopathies. Identifiers: Orphanet 167848, MedGen C0878544, MONDO:0004994, HP:0001638. Inheritance: Various modes of inheritance.

Submissions (2):

Color Diagnostics, LLC DBA Color Health
Classification: Uncertain significance for Cardiomyopathy. Last evaluated: 2025-08-26. Review status: criteria provided, single submitter. Criteria: ACMG Guidelines, 2015. Collection method: clinical testing. Allele origin: germline.
Comment: This missense variant replaces glutamic acid with aspartic acid at codon 4320 of the RYR2 protein. Computational prediction is inconclusive regarding the impact of this variant on protein structure and function. To our knowledge, functional studies have not been reported for this variant. This variant has not been reported in individuals affected with RYR2-related disorders in the literature. This variant has not been identified in the general population by the Genome Aggregation Database (gnomAD). The available evidence is insufficient to determine the role of this variant in disease conclusively. Therefore, this variant is classified as a Variant of Uncertain Significance.

Labcorp Genetics (formerly Invitae), Labcorp
Classification: Uncertain significance for Catecholaminergic polymorphic ventricular tachycardia 1. Last evaluated: 2022-09-22. Review status: criteria provided, single submitter. Criteria: Invitae Variant Classification Sherloc (09022015). Collection method: clinical testing. Allele origin: germline.
Comment: This variant is not present in population databases (gnomAD no frequency). This variant has not been reported in the literature in individuals affected with RYR2-related conditions. Algorithms developed to predict the effect of missense changes on protein structure and function (SIFT, PolyPhen-2, Align-GVGD) all suggest that this variant is likely to be disruptive. In summary, the available evidence is currently insufficient to determine the role of this variant in disease. Therefore, it has been classified as a Variant of Uncertain Significance. This sequence change replaces glutamic acid, which is acidic and polar, with aspartic acid, which is acidic and polar, at codon 4320 of the RYR2 protein (p.Glu4320Asp).

NM_001035.3(RYR2):c.12960A>T (p.Glu4320Asp)

Genes: RYR2 (ryanodine receptor 2; plus strand), LOC126806068 (BRD4-independent group 4 enhancer GRCh37_chr1:237947411-237948610; plus strand). Cytogenetic location: 1q43.
Variant type: single nucleotide variant.
Coding change: c.12960A>T on transcript NM_001035.3 (MANE Select); coding-DNA position 12960, A replaced by T.
Protein change: p.Glu4320Asp; replaces glutamic acid 4320 with aspartic acid.
Molecular consequence: missense variant.
Genome position (GRCh38, 1-based): chr1:237,784,672, A>T. VCF-style: chr1-237784672-A-T. GRCh37 (hg19) VCF-style: chr1-237947972-A-T.
Other names: short protein forms E4320D.
Identifiers: ClinVar variation 2041330 (VCV002041330.5), dbSNP rs1456795811, ClinGen allele CA345414845.